The following is an entry in ClinVar:

ClinVar aggregate classification (germline): Benign/Likely benign. Review status: criteria provided, multiple submitters, no conflicts (2 of 4 stars). 6 submissions from 6 submitters: Benign (5); Likely benign (1). Last evaluated 2026-02-04.

Allele frequency attached by ClinVar (database versions not stated): gnomAD exomes 0.01958 and 0.03116; ExAC 0.03482; 1000 Genomes Project 0.08586; gnomAD 0.08820 and 0.09433; 1000 Genomes Project 30x 0.09338; TOPMed 0.09696; ESP Exome Variant Server 0.09897.
gnomAD v4.1: 42,290 of 1,605,878 alleles (2.6%); highest among the groups gnomAD compares: African/African-American, 28%; 3,285 homozygotes.

Submissions (6):

Labcorp Genetics (formerly Invitae), Labcorp
Classification: Benign. Last evaluated: 2026-02-04. Review status: criteria provided, single submitter. Criteria: Invitae Variant Classification Sherloc (09022015). Collection method: clinical testing. Allele origin: germline.

Blueprint Genetics
Classification: Likely benign. Last evaluated: 2024-11-27. Review status: criteria provided, single submitter. Criteria: ACMG Guidelines, 2015. Collection method: clinical testing. Allele origin: germline.

ARUP Laboratories, Molecular Genetics and Genomics, ARUP Laboratories
Classification: Benign. Last evaluated: 2024-10-17. Review status: criteria provided, single submitter. Criteria: ARUP Molecular Germline Variant Investigation Process 2024. Collection method: clinical testing. Allele origin: germline.

GeneDx
Classification: Benign. Last evaluated: 2018-06-13. Review status: criteria provided, single submitter. Criteria: GeneDx Variant Classification (06012015). Collection method: clinical testing. Allele origin: germline. Affected: yes.
Comment: This variant is considered likely benign or benign based on one or more of the following criteria: it is a conservative change, it occurs at a poorly conserved position in the protein, it is predicted to be benign by multiple in silico algorithms, and/or has population frequency not consistent with disease.

Breakthrough Genomics
Classification: Benign. Review status: criteria provided, single submitter. Criteria: ACMG Guidelines, 2015. Collection method: not provided. Allele origin: germline. Inheritance: Autosomal dominant inheritance. Affected: yes.

PreventionGenetics, part of Exact Sciences
Classification: Benign. Review status: criteria provided, single submitter. Criteria: ACMG Guidelines, 2015. Collection method: clinical testing. Allele origin: germline.

NM_002473.6(MYH9):c.3837+18A>G

Gene: MYH9 (myosin heavy chain 9; minus strand). Cytogenetic location: 22q12.3.
Variant type: single nucleotide variant.
Coding change: c.3837+18A>G on transcript NM_002473.6 (MANE Select); 18 bases into the intron after coding-DNA position 3837, A replaced by G.
Molecular consequence: intron variant.
Genome position (GRCh38, 1-based): chr22:36,294,074, T>C on the plus strand (A>G on the coding strand, the complement: MYH9 is on the minus strand). VCF-style: chr22-36294074-T-C. GRCh37 (hg19) VCF-style: chr22-36690120-T-C.
Identifiers: ClinVar variation 258744 (VCV000258744.14), dbSNP rs56020676, ClinGen allele CA10209558.